The following is an entry in ClinVar:

NM_001371596.2(MFSD8):c.154+19T>C

Gene: MFSD8 (major facilitator superfamily domain containing 8; minus strand). Cytogenetic location: 4q28.2.
Variant type: single nucleotide variant.
Coding change: c.154+19T>C on transcript NM_001371596.2 (MANE Select); 19 bases into the intron after coding-DNA position 154, T replaced by C.
Molecular consequence: intron variant.
Genome position (GRCh38, 1-based): chr4:127,957,482, A>G on the plus strand (T>C on the coding strand, the complement: MFSD8 is on the minus strand). VCF-style: chr4-127957482-A-G. GRCh37 (hg19) VCF-style: chr4-128878637-A-G.
Other names: c.19+19T>C (NM_001371595.1, NM_001410765.1, NM_001371590.2); c.154+19T>C (NM_152778.4, NM_001363521.3, NM_001410766.1 and 5 more transcripts).
Identifiers: ClinVar variation 384011 (VCV000384011.9), dbSNP rs1057521818, ClinGen allele CA16605071.

ClinVar aggregate classification (germline): Likely benign. Review status: criteria provided, multiple submitters, no conflicts (2 of 4 stars). 3 submissions from 3 submitters: Likely benign (3). Last evaluated 2025-05-10.

Conditions:
Neuronal ceroid lipofuscinosis 7 (CLN7). Also called: MFSD8-Related Neuronal Ceroid-Lipofuscinosis. Identifiers: Orphanet 168491, Orphanet 228366, MedGen C1838571, MONDO:0012588, OMIM 610951.

Allele frequency attached by ClinVar (database versions not stated): TOPMed below 0.00001.

Submissions (3):

Labcorp Genetics (formerly Invitae), Labcorp
Classification: Likely benign for Neuronal ceroid lipofuscinosis 7. Last evaluated: 2025-05-10. Review status: criteria provided, single submitter. Criteria: Invitae Variant Classification Sherloc (09022015). Collection method: clinical testing. Allele origin: germline.

Blueprint Genetics
Classification: Likely benign. Last evaluated: 2024-07-16. Review status: criteria provided, single submitter. Criteria: ACMG Guidelines, 2015. Collection method: clinical testing. Allele origin: germline.

GeneDx
Classification: Likely benign. Last evaluated: 2016-03-04. Review status: criteria provided, single submitter. Criteria: GeneDx Variant Classification (06012015). Collection method: clinical testing. Allele origin: germline. Affected: yes.
Comment: This variant is considered likely benign or benign based on one or more of the following criteria: it is a conservative change, it occurs at a poorly conserved position in the protein, it is predicted to be benign by multiple in silico algorithms, and/or has population frequency not consistent with disease.